The following is an entry in ClinVar:

NM_020832.3(ZNF687):c.2149C>T (p.Arg717Cys)

Gene: ZNF687 (zinc finger protein 687; plus strand). Cytogenetic location: 1q21.3.
Variant type: single nucleotide variant.
Coding change: c.2149C>T on transcript NM_020832.3 (MANE Select); coding-DNA position 2149, C replaced by T.
Protein change: p.Arg717Cys; replaces arginine 717 with cysteine.
Molecular consequence: missense variant.
Genome position (GRCh38, 1-based): chr1:151,288,561, C>T. VCF-style: chr1-151288561-C-T. GRCh37 (hg19) VCF-style: chr1-151261037-C-T.
Other names: c.2149C>T, p.Arg717Cys (NM_001304763.2, NM_001304764.2); c.2149C>T (NM_020832.1); short protein forms R717C.
Identifiers: ClinVar variation 2182029 (VCV002182029.5), dbSNP rs1166108759, ClinGen allele CA341949881.

ClinVar aggregate classification (germline): Uncertain significance. Review status: criteria provided, multiple submitters, no conflicts (2 of 4 stars). 2 submissions from 2 submitters: Uncertain significance (2). Last evaluated 2025-08-18.

Allele frequency attached by ClinVar (database versions not stated): gnomAD exomes below 0.00001; gnomAD 0.00003; TOPMed 0.00009.

Submissions (2):

Labcorp Genetics (formerly Invitae), Labcorp
Classification: Uncertain significance. Last evaluated: 2025-08-18. Review status: criteria provided, single submitter. Criteria: Invitae Variant Classification Sherloc (09022015). Collection method: clinical testing. Allele origin: germline.
Comment: This sequence change replaces arginine, which is basic and polar, with cysteine, which is neutral and slightly polar, at codon 717 of the ZNF687 protein (p.Arg717Cys). This variant is present in population databases (no rsID available, gnomAD 0.007%). This variant has not been reported in the literature in individuals affected with ZNF687-related conditions. ClinVar contains an entry for this variant (Variation ID: 2182029). An algorithm developed to predict the effect of missense changes on protein structure and function (PolyPhen-2) suggests that this variant is likely to be disruptive. In summary, the available evidence is currently insufficient to determine the role of this variant in disease. Therefore, it has been classified as a Variant of Uncertain Significance.

Ambry Genetics
Classification: Uncertain significance. Last evaluated: 2025-01-16. Review status: criteria provided, single submitter. Criteria: Ambry Variant Classification Scheme 2023. Collection method: clinical testing. Allele origin: germline.